The following is an entry in ClinVar:

NM_001845.6(COL4A1):c.3110C>T (p.Pro1037Leu)

Gene: COL4A1 (collagen type IV alpha 1 chain; minus strand). Cytogenetic location: 13q34.
Variant type: single nucleotide variant.
Coding change: c.3110C>T on transcript NM_001845.6 (MANE Select); coding-DNA position 3110, C replaced by T.
Protein change: p.Pro1037Leu; replaces proline 1037 with leucine.
Molecular consequence: missense variant.
Genome position (GRCh38, 1-based): chr13:110,175,306, G>A on the plus strand (C>T on the coding strand, the complement: COL4A1 is on the minus strand). VCF-style: chr13-110175306-G-A. GRCh37 (hg19) VCF-style: chr13-110827653-G-A.
Other names: short protein forms P1037L.
Identifiers: ClinVar variation 3897725 (VCV003897725.1).

ClinVar aggregate classification (germline): Likely pathogenic (0 of 4 stars; one submission).

Conditions:
Hemorrhage, intracerebral, susceptibility to (ICH). Also called: Stroke, hemorrhagic, susceptibility to. Identifiers: MedGen C3281105, MONDO:0100533, OMIM 614519.

Submission:

Department of Neurology, The First Affiliated Hospital of Fujian Medical University
Classification: Likely pathogenic for Hemorrhage, intracerebral, susceptibility to. Review status: no assertion criteria provided. Collection method: research. Allele origin: unknown. Inheritance: Autosomal dominant inheritance. Affected: yes.
Comment: c.3110C>T (p.Pro1037Leu) was consistently classified as pathogenic by multiple bioinformatics platforms (MutationTaster/CADD) and was predicted to be likely deleterious by PolyPhen-2. It was completely absent in population genome databases (gnomAD, ExAC) with a minor allele frequency (MAF) of 0. Following a systematic pathogenicity assessment according to ACMG criteria, the c.3110C>T (p.Pro1037Leu) variant was classified as likely pathogenic (PM1+PM2+PP3+PP4).

Literature cited by the submitters: DOI 10.3389/fneur.2022.827165; DOI 10.1002/ana.22682.